The following is an entry in ClinVar:

ClinVar aggregate classification (germline): Likely pathogenic (1 of 4 stars; one submission).

Conditions:
Intellectual developmental disorder, X-linked 1. Also called: Atkin Flaitz Patil Smith syndrome; MENTAL RETARDATION, X-LINKED 18; MENTAL RETARDATION, X-LINKED 78; Intellectual disability, X-linked 1. Identifiers: Orphanet 777, MedGen C2931498, MONDO:0010656, OMIM 309530.

Submission:

3billion
Classification: Likely pathogenic for Intellectual developmental disorder, X-linked 1. Last evaluated: 2024-06-17. Review status: criteria provided, single submitter. Criteria: ACMG Guidelines, 2015. Collection method: clinical testing. Allele origin: germline. Affected: yes.
Comment: The variant is not observed in the gnomAD v4.0.0 dataset. Predicted Consequence/Location: Stop-gained (nonsense): predicted to result in a loss or disruption of normal protein function through protein truncation. The predicted truncated protein may be shortened by more than 10%. Therefore, this variant is classified as Likely pathogenic according to the recommendation of ACMG/AMP guideline.

NM_001111125.3(IQSEC2):c.3998_4001dup (p.Tyr1334Ter)

Gene: IQSEC2 (IQ motif and Sec7 domain ArfGEF 2; minus strand). Cytogenetic location: Xp11.22.
Variant type: Duplication.
Coding change: c.3998_4001dup on transcript NM_001111125.3 (MANE Select); coding-DNA positions 3998 to 4001, 4 bases duplicated (ACTA; older notation c.3998_4001dupACTA).
Protein change: p.Tyr1334Ter; replaces tyrosine 1334 with a stop codon.
Molecular consequence: nonsense. On other transcripts: 3 prime UTR variant (4), intron variant (2).
Genome position (GRCh38, 1-based): chrX:53,234,685-53,234,688, TAGT duplicated on the plus strand (ACTA on the coding strand, the reverse complement: IQSEC2 is on the minus strand). VCF-style (leftmost placement, unchanged base first): chrX-53234684-A-ATAGT. GRCh37 (hg19) VCF-style: chrX-53263866-A-ATAGT.
Other names: c.*483_*486dup (NM_001410736.1, NM_001441093.1, NM_001441094.1 and 1 more transcripts); c.3451+1634_3451+1637dup (NM_001441092.1); c.2740+1634_2740+1637dup (NM_001441095.1); short protein forms Y1334*.
Identifiers: ClinVar variation 4293347 (VCV004293347.1).